The following is an entry in ClinVar:

NM_020778.5(ALPK3):c.4772G>C (p.Gly1591Ala)

Gene: ALPK3 (alpha kinase 3; plus strand). Cytogenetic location: 15q25.3.
Variant type: single nucleotide variant.
Coding change: c.4772G>C on transcript NM_020778.5 (MANE Select); coding-DNA position 4772, G replaced by C.
Protein change: p.Gly1591Ala; replaces glycine 1591 with alanine.
Molecular consequence: missense variant.
Genome position (GRCh38, 1-based): chr15:84,867,365, G>C. VCF-style: chr15-84867365-G-C. GRCh37 (hg19) VCF-style: chr15-85410596-G-C.
Other names: short protein forms G1591A.
Identifiers: ClinVar variation 3006189 (VCV003006189.3), dbSNP rs1964013643, ClinGen allele CA393365509.

ClinVar aggregate classification (germline): Uncertain significance (1 of 4 stars; one submission).

Allele frequency attached by ClinVar (database versions not stated): gnomAD exomes 0.00002.

Submission:

Labcorp Genetics (formerly Invitae), Labcorp
Classification: Uncertain significance. Last evaluated: 2023-11-18. Review status: criteria provided, single submitter. Criteria: Invitae Variant Classification Sherloc (09022015). Collection method: clinical testing. Allele origin: germline.
Comment: This sequence change replaces glycine, which is neutral and non-polar, with alanine, which is neutral and non-polar, at codon 1793 of the ALPK3 protein (p.Gly1793Ala). This variant also falls at the last nucleotide of exon 13, which is part of the consensus splice site for this exon. This variant is not present in population databases (gnomAD no frequency). This variant has not been reported in the literature in individuals affected with ALPK3-related conditions. An algorithm developed to predict the effect of missense changes on protein structure and function (PolyPhen-2) suggests that this variant is likely to be disruptive. Variants that disrupt the consensus splice site are a relatively common cause of aberrant splicing (PMID: 17576681, 9536098). In summary, the available evidence is currently insufficient to determine the role of this variant in disease. Therefore, it has been classified as a Variant of Uncertain Significance.

Literature cited by the submitters: PubMed 17576681; PubMed 9536098.